The following is an entry in ClinVar:

NM_001065.4(TNFRSF1A):c.1322T>A (p.Leu441His)

Gene: TNFRSF1A (TNF receptor superfamily member 1A; minus strand). Cytogenetic location: 12p13.31.
Variant type: single nucleotide variant.
Coding change: c.1322T>A on transcript NM_001065.4 (MANE Select); coding-DNA position 1322, T replaced by A.
Protein change: p.Leu441His; replaces leucine 441 with histidine.
Molecular consequence: missense variant. On other transcripts: non-coding transcript variant (1).
Genome position (GRCh38, 1-based): chr12:6,329,358, A>T on the plus strand (T>A on the coding strand, the complement: TNFRSF1A is on the minus strand). VCF-style: chr12-6329358-A-T. GRCh37 (hg19) VCF-style: chr12-6438524-A-T.
Other names: c.998T>A, p.Leu333His (NM_001346091.2); c.863T>A, p.Leu288His (NM_001346092.2); short protein forms L441H, L333H, L288H.
Identifiers: ClinVar variation 1522163 (VCV001522163.8), dbSNP rs2136812048, ClinGen allele CA383544353.
Genomic context (GRCh38, chr12:6,329,358, plus strand): 5'-GCAGGGGCGCAGCCTCATCTGAGAAGACTGGGCGCGGGCGGGAGGGCGGCGGGGCCGCAA[A>T]GCGCCTCCTCGATGTCCTCCAGGCAGCCCAGCAGGTCCATGTCGCGGAGCACGCGTCCCA-3'
Protein context (NP_001056.1, residues 431-451): LGCLEDIEEA[Leu441His]CGPAALPPAP

ClinVar aggregate classification (germline): Uncertain significance (1 of 4 stars; one submission).

Conditions:
TNF receptor-associated periodic fever syndrome (TRAPS) (FPF). Also called: TNF Receptor-Associated Periodic Fever Syndrome; TNF receptor 1-associated periodic fever syndrome; FAMILIAL HIBERNIAN FEVER; TNF RECEPTOR-ASSOCIATED PERIODIC SYNDROME; TUMOR NECROSIS FACTOR RECEPTOR-ASSOCIATED PERIODIC SYNDROME; Autosomal Dominant Familial Periodic Fever. Identifiers: Orphanet 32960, MedGen C1275126, MONDO:0007727, OMIM 142680.

Submission:

Labcorp Genetics (formerly Invitae), Labcorp
Classification: Uncertain significance for TNF receptor-associated periodic fever syndrome (TRAPS). Last evaluated: 2021-04-02. Review status: criteria provided, single submitter. Criteria: Invitae Variant Classification Sherloc (09022015). Collection method: clinical testing. Allele origin: germline.
Comment: Advanced modeling of protein sequence and biophysical properties (such as structural, functional, and spatial information, amino acid conservation, physicochemical variation, residue mobility, and thermodynamic stability) performed at Invitae indicates that this missense variant is expected to disrupt TNFRSF1A protein function. This variant has not been reported in the literature in individuals with TNFRSF1A-related conditions. This variant is not present in population databases (ExAC no frequency). This sequence change replaces leucine with histidine at codon 441 of the TNFRSF1A protein (p.Leu441His). The leucine residue is moderately conserved and there is a moderate physicochemical difference between leucine and histidine. In summary, the available evidence is currently insufficient to determine the role of this variant in disease. Therefore, it has been classified as a Variant of Uncertain Significance.